The following is an entry in ClinVar:

NM_001822.7(CHN1):c.550-5C>T

Gene: CHN1 (chimerin 1; minus strand). Cytogenetic location: 2q31.1.
Variant type: single nucleotide variant.
Coding change: c.550-5C>T on transcript NM_001822.7 (MANE Select); 5 bases into the intron before coding-DNA position 550, C replaced by T.
Molecular consequence: intron variant. On other transcripts: missense variant (1).
Genome position (GRCh38, 1-based): chr2:174,846,962, G>A on the plus strand (C>T on the coding strand, the complement: CHN1 is on the minus strand). VCF-style: chr2-174846962-G-A. GRCh37 (hg19) VCF-style: chr2-175711690-G-A.
Other names: c.170C>T, p.Ser57Leu (NM_001206602.2); c.550-22444C>T (NM_001025201.4); c.550-5C>T (NM_001371513.1); c.601-5C>T (NM_001371514.1); short protein forms S57L.
Identifiers: ClinVar variation 755716 (VCV000755716.6), dbSNP rs760529847, ClinGen allele CA1974972.

ClinVar aggregate classification (germline): Conflicting classifications of pathogenicity. Review status: criteria provided, conflicting classifications (1 of 4 stars). 2 submissions from 2 submitters: Uncertain significance (1); Likely benign (1). Last evaluated 2019-11-15.

Allele frequency attached by ClinVar (database versions not stated): gnomAD exomes 0.00002; ExAC 0.00004; gnomAD 0.00004; TOPMed 0.00006; 1000 Genomes Project 30x 0.00016.
gnomAD v4.1: 38 of 1,553,520 alleles (0.0024%); highest among the groups gnomAD compares: African/African-American, 0.0082%; no homozygotes.

Submissions (2):

GeneDx
Classification: Uncertain significance. Last evaluated: 2019-11-15. Review status: criteria provided, single submitter. Criteria: GeneDx Variant Classification Process June 2021. Collection method: clinical testing. Allele origin: germline. Affected: yes.
Comment: In silico analysis, which includes splice predictors and evolutionary conservation, supports that this variant does not alter protein structure/function; Has not been previously published as pathogenic or benign to our knowledge

Labcorp Genetics (formerly Invitae), Labcorp
Classification: Likely benign. Last evaluated: 2018-11-15. Review status: criteria provided, single submitter. Criteria: Invitae Variant Classification Sherloc (09022015). Collection method: clinical testing. Allele origin: germline.